The following is an entry in ClinVar:

NM_016151.4(TAOK2):c.2168G>A (p.Arg723Gln)

Gene: TAOK2 (TAO kinase 2; plus strand). Cytogenetic location: 16p11.2.
Variant type: single nucleotide variant.
Coding change: c.2168G>A on transcript NM_016151.4 (MANE Select); coding-DNA position 2168, G replaced by A.
Protein change: p.Arg723Gln; replaces arginine 723 with glutamine.
Molecular consequence: missense variant.
Genome position (GRCh38, 1-based): chr16:29,986,440, G>A. VCF-style: chr16-29986440-G-A. GRCh37 (hg19) VCF-style: chr16-29997761-G-A.
Other names: c.2168G>A (NM_016151.2); c.2168G>A, p.Arg723Gln (NM_001252043.2, NM_004783.4); short protein forms R723Q.
Identifiers: ClinVar variation 2189932 (VCV002189932.5), dbSNP rs753160957, ClinGen allele CA7998325.

ClinVar aggregate classification (germline): Uncertain significance. Review status: criteria provided, multiple submitters, no conflicts (2 of 4 stars). 2 submissions from 2 submitters: Uncertain significance (2). Last evaluated 2025-11-24.

Allele frequency attached by ClinVar (database versions not stated): ExAC 0.00001; gnomAD 0.00001; gnomAD exomes 0.00001; TOPMed 0.00002.
gnomAD v4.1: 20 of 1,608,246 alleles (0.0012%); highest among the groups gnomAD compares: Admixed American, 0.0017%; no homozygotes.

Submissions (2):

Ambry Genetics
Classification: Uncertain significance. Last evaluated: 2025-11-24. Review status: criteria provided, single submitter. Criteria: Ambry Variant Classification Scheme 2023. Collection method: clinical testing. Allele origin: germline.

Labcorp Genetics (formerly Invitae), Labcorp
Classification: Uncertain significance. Last evaluated: 2025-02-25. Review status: criteria provided, single submitter. Criteria: Invitae Variant Classification Sherloc (09022015). Collection method: clinical testing. Allele origin: germline.
Comment: This sequence change replaces arginine, which is basic and polar, with glutamine, which is neutral and polar, at codon 723 of the TAOK2 protein (p.Arg723Gln). This variant is present in population databases (rs753160957, gnomAD 0.01%). This variant has not been reported in the literature in individuals affected with TAOK2-related conditions. ClinVar contains an entry for this variant (Variation ID: 2189932). An algorithm developed to predict the effect of missense changes on protein structure and function (PolyPhen-2) suggests that this variant is likely to be disruptive. In summary, the available evidence is currently insufficient to determine the role of this variant in disease. Therefore, it has been classified as a Variant of Uncertain Significance.